The following is an entry in ClinVar:

ClinVar aggregate classification (germline): Uncertain significance (1 of 4 stars; one submission).

Conditions:
Familial acute necrotizing encephalopathy (IIAE3). Also called: Susceptibility to Acute Necrotizing Encephalopathy 1; ENCEPHALOPATHY, ACUTE, INFECTION-INDUCED, SUSCEPTIBILITY TO, 3. Identifiers: Orphanet 88619, MedGen C2675556, MONDO:0011953, OMIM 608033.

Submission:

Labcorp Genetics (formerly Invitae), Labcorp
Classification: Uncertain significance for Familial acute necrotizing encephalopathy. Last evaluated: 2017-12-27. Review status: criteria provided, single submitter. Criteria: Invitae Variant Classification Sherloc (09022015). Collection method: clinical testing. Allele origin: germline.
Comment: In summary, the available evidence is currently insufficient to determine the role of this variant in disease. Therefore, it has been classified as a Variant of Uncertain Significance. Algorithms developed to predict the effect of sequence changes on RNA splicing suggest that this variant may create or strengthen a splice site, but this prediction has not been confirmed by published transcriptional studies. Algorithms developed to predict the effect of missense changes on protein structure and function (SIFT, PolyPhen-2, Align-GVGD) all suggest that this variant is likely to be disruptive, but these predictions have not been confirmed by published functional studies and their clinical significance is uncertain. This variant has not been reported in the literature in individuals with RANBP2-related disease. This variant is not present in population databases (ExAC no frequency). This sequence change replaces asparagine with serine at codon 2874 of the RANBP2 protein (p.Asn2874Ser). The asparagine residue is highly conserved and there is a small physicochemical difference between asparagine and serine.

NM_006267.5(RANBP2):c.8621A>G (p.Asn2874Ser)

Gene: RANBP2 (RAN binding protein 2; plus strand). Cytogenetic location: 2q13.
Variant type: single nucleotide variant.
Coding change: c.8621A>G on transcript NM_006267.5 (MANE Select); coding-DNA position 8621, A replaced by G.
Protein change: p.Asn2874Ser; replaces asparagine 2874 with serine.
Molecular consequence: missense variant.
Genome position (GRCh38, 1-based): chr2:108,781,290, A>G. VCF-style: chr2-108781290-A-G. GRCh37 (hg19) VCF-style: chr2-109397746-A-G.
Other names: short protein forms N2874S.
Identifiers: ClinVar variation 537219 (VCV000537219.9), dbSNP rs1553502323, ClinGen allele CA348084055.